The following is an entry in ClinVar:

NM_032776.3(JMJD1C):c.2251C>T (p.Pro751Ser)

Gene: JMJD1C (jumonji domain containing 1C; minus strand). Cytogenetic location: 10q21.3.
Variant type: single nucleotide variant.
Coding change: c.2251C>T on transcript NM_032776.3 (MANE Select); coding-DNA position 2251, C replaced by T.
Protein change: p.Pro751Ser; replaces proline 751 with serine.
Molecular consequence: missense variant. On other transcripts: non-coding transcript variant (1).
Genome position (GRCh38, 1-based): chr10:63,213,916, G>A on the plus strand (C>T on the coding strand, the complement: JMJD1C is on the minus strand). VCF-style: chr10-63213916-G-A. GRCh37 (hg19) VCF-style: chr10-64973676-G-A.
Other names: c.1705C>T, p.Pro569Ser (NM_001282948.2, NM_001318154.2); c.1387C>T, p.Pro463Ser (NM_001318153.2); c.2137C>T, p.Pro713Ser (NM_001322252.2); c.1594C>T, p.Pro532Ser (NM_001322254.2, NM_001322258.2); short protein forms P463S, P532S, P569S, P713S, P751S.
Identifiers: ClinVar variation 4743891 (VCV004743891.1).
Genomic context (GRCh38, chr10:63,213,916, plus strand): 5'-GACTAGATGATCCGGCTAGTAAATGGGGTGCAGGAGTTAAGGCAGGATGATGGGTACCTG[G>A]ATTTAAACAGGTTCTATGAGATGAGGAGTGAAGAGGAAAAGGATGCTGGCTTAGGAAAGG-3'
Protein context (NP_116165.1, residues 741-761): HSSSHRTCLN[Pro751Ser]GTHHPALTPA

ClinVar aggregate classification (germline): Uncertain significance (1 of 4 stars; one submission).

Conditions:
Early Myoclonic Encephalopathy. Identifiers: MedGen C0270855.

Submission:

Labcorp Genetics (formerly Invitae), Labcorp
Classification: Uncertain significance for Early Myoclonic Encephalopathy. Last evaluated: 2025-10-28. Review status: criteria provided, single submitter. Criteria: Invitae Variant Classification Sherloc (09022015). Collection method: clinical testing. Allele origin: germline.
Comment: This sequence change replaces proline, which is neutral and non-polar, with serine, which is neutral and polar, at codon 751 of the JMJD1C protein (p.Pro751Ser). This variant is not present in population databases (gnomAD no frequency). This variant has not been reported in the literature in individuals affected with JMJD1C-related conditions. Invitae Evidence Modeling of protein sequence and biophysical properties (such as structural, functional, and spatial information, amino acid conservation, physicochemical variation, residue mobility, and thermodynamic stability) indicates that this missense variant is not expected to disrupt JMJD1C protein function with a negative predictive value of 80%. In summary, the available evidence is currently insufficient to determine the role of this variant in disease. Therefore, it has been classified as a Variant of Uncertain Significance.